The following is an entry in ClinVar:

NM_000318.3(PEX2):c.310dup (p.Ile104fs)

Gene: PEX2 (peroxisomal biogenesis factor 2; minus strand). Cytogenetic location: 8q21.13.
Variant type: Duplication.
Coding change: c.310dup on transcript NM_000318.3 (MANE Select); coding-DNA position 310, one base duplicated (A; older notation c.310dupA).
Protein change: p.Ile104fs; shifts the reading frame from isoleucine 104.
Molecular consequence: frameshift variant.
Genome position (GRCh38, 1-based): chr8:76,983,869, T duplicated on the plus strand (A on the coding strand, the reverse complement: PEX2 is on the minus strand); the first of 6 consecutive T bases (chr8:76,983,869-76,983,874); duplicating any one gives the same sequence. VCF-style (leftmost placement, unchanged base first): chr8-76983868-A-AT. GRCh37 (hg19) VCF-style: chr8-77896104-A-AT.
Other names: c.310dup (NM_000318.2); c.310dup, p.Ile104fs (NM_001079867.2, NM_001172086.2, NM_001172087.2); c.310dupA (NM_000318.3, NM_000318.2); short protein forms I104fs.
Identifiers: ClinVar variation 504136 (VCV000504136.17), dbSNP rs1235008965, ClinGen allele CA461773489.

ClinVar aggregate classification (germline): Pathogenic/Likely pathogenic. Review status: criteria provided, multiple submitters, no conflicts (2 of 4 stars). 6 submissions from 6 submitters: Pathogenic (3); Likely pathogenic (3). Last evaluated 2025-08-15.

Conditions:
Zellweger spectrum disorders (ZS). Also called: Zellweger Spectrum Disorder (ZSD); Zellweger Spectrum Disorder; Zellweger Spectrum; Zellweger syndrome. Identifiers: Orphanet 912, MedGen C0043459, MONDO:0019609.
Peroxisome biogenesis disorder. Identifiers: Orphanet 79189, MedGen C1832200, MONDO:0019234. Disease mechanism: loss of function.
Peroxisome biogenesis disorder 5A (Zellweger) (PBD5A). Identifiers: Orphanet 912, MedGen C3553940, MONDO:0013932, OMIM 614866.

Submissions (6):

Natera, Inc.
Classification: Likely pathogenic for Zellweger syndrome. Last evaluated: 2025-08-15. Review status: criteria provided, single submitter. Criteria: Natera Variant Classification Schema (03/2026). Collection method: clinical testing. Allele origin: germline.
Comment: The c.310dupA variant in PEX2 is a frameshift variant predicted to shift the reading frame beginning at codon 104 and leads to a stop codon 19 codons downstream. This variant is expected to result in nonsense mediated decay, truncation, or a dysfunctional protein product. This variant is rare in the general population with a frequency below the threshold expected for the associated phenotype(s). Given the available evidence, this variant is classified as Likely Pathogenic.

Labcorp Genetics (formerly Invitae), Labcorp
Classification: Pathogenic for Peroxisome biogenesis disorder 5A (Zellweger). Last evaluated: 2025-03-01. Review status: criteria provided, single submitter. Criteria: Invitae Variant Classification Sherloc (09022015). Collection method: clinical testing. Allele origin: germline.
Comment: This sequence change creates a premature translational stop signal (p.Ile104Asnfs*19) in the PEX2 gene. While this is not anticipated to result in nonsense mediated decay, it is expected to disrupt the last 202 amino acid(s) of the PEX2 protein. This variant is present in population databases (no rsID available, gnomAD 0.0009%). This variant has not been reported in the literature in individuals affected with PEX2-related conditions. ClinVar contains an entry for this variant (Variation ID: 504136). This variant disrupts a region of the PEX2 protein in which other variant(s) (p.Arg184Valfs*8) have been determined to be pathogenic (PMID: 10652207, 14630978, 17041890). This suggests that this is a clinically significant region of the protein, and that variants that disrupt it are likely to be disease-causing. For these reasons, this variant has been classified as Pathogenic.

Women's Health and Genetics/Laboratory Corporation of America, LabCorp
Classification: Pathogenic for Peroxisome biogenesis disorder. Last evaluated: 2025-01-14. Review status: criteria provided, single submitter. Criteria: LabCorp Variant Classification Summary - May 2015. Collection method: clinical testing. Allele origin: germline.
Comment: Variant summary: PEX2 c.310dupA (p.Ile104AsnfsX19) results in a premature termination codon, predicted to cause a truncation of the encoded protein, however, nonsense mediated decay is not expected to occur. The variant allele was found at a frequency of 4e-06 in 251370 control chromosomes. To our knowledge, no occurrence of c.310dupA in individuals affected with Zellweger Syndrome and no experimental evidence demonstrating its impact on protein function have been reported. At least one variant downstream of this position (e.g. 325dupT, p.Cys109LeufsX14) has been classified as Pathogenic by our lab. ClinVar contains an entry for this variant (Variation ID: 504136). Based on the evidence outlined above, the variant was classified as pathogenic.

Baylor Genetics
Classification: Likely pathogenic for Peroxisome biogenesis disorder 5A (Zellweger). Last evaluated: 2023-07-22. Review status: criteria provided, single submitter. Criteria: ACMG Guidelines, 2015. Collection method: clinical testing. Allele origin: unknown.

GeneDx
Classification: Likely pathogenic. Last evaluated: 2018-01-16. Review status: criteria provided, single submitter. Criteria: GeneDx Variant Classification (06012015). Collection method: clinical testing. Allele origin: germline. Affected: yes.
Comment: The c.310dupA variant in the PEX2 gene has not been reported previously as a pathogenic variant nor as a benign variant, to our knowledge. The c.310dupA variant causes a frameshift starting with codon Isoleucine 104, changes this amino acid to an Asparagine residue, and creates a premature Stop codon at position 19 of the new reading frame, denoted p.Ile104AsnfsX19. This variant is predicted to cause loss of normal protein function through protein truncation. The c.310dupA variant is not observed at a significant frequency in large population cohorts (Lek et al., 2016). We interpret c.310dupA as a likely pathogenic variant.

Eurofins Ntd Llc (ga)
Classification: Pathogenic. Last evaluated: 2018-01-03. Review status: criteria provided, single submitter. Criteria: EGL Classification Definitions 2015. Collection method: clinical testing. Allele origin: germline. Observed: 1 variant allele, 1 heterozygote.

Literature cited by the submitters: PubMed 10652207 (cited by Labcorp Genetics (formerly Invitae), Labcorp); PubMed 14630978 (cited by Labcorp Genetics (formerly Invitae), Labcorp); PubMed 17041890 (cited by Labcorp Genetics (formerly Invitae), Labcorp).